The following is an entry in ClinVar:

ClinVar aggregate classification (germline): Benign/Likely benign. Review status: criteria provided, multiple submitters, no conflicts (2 of 4 stars). 6 submissions from 6 submitters: Benign (1); Likely benign (4). 1 of the submissions does not count toward it. Last evaluated 2025-12-30.

Conditions:
AIRE-related disorder. Also called: AIRE-related condition.
Polyglandular autoimmune syndrome, type 1 (APS1). Also called: APS I; HYPOADRENOCORTICISM WITH HYPOPARATHYROIDISM AND SUPERFICIAL MONILIASIS; PGA I; Whitaker syndrome; AUTOIMMUNE POLYENDOCRINE SYNDROME, TYPE I, WITH OR WITHOUT REVERSIBLE METAPHYSEAL DYSPLASIA; Autoimmune polyendocrinopathy syndrome , type I, with or without reversible metaphyseal dysplasia. Identifiers: Orphanet 3453, MedGen C0085859, MONDO:0009411, OMIM 240300.

Allele frequency attached by ClinVar (database versions not stated): gnomAD exomes 0.00008 and 0.00009; TOPMed 0.00009; ExAC 0.00010; gnomAD 0.00020 and 0.00022; ESP Exome Variant Server 0.00023.
gnomAD v4.1: 137 of 1,612,174 alleles (0.0085%); highest among the groups gnomAD compares: Middle Eastern, 0.033%; no homozygotes.

Submissions (6):

Labcorp Genetics (formerly Invitae), Labcorp
Classification: Likely benign for Polyglandular autoimmune syndrome, type 1. Last evaluated: 2025-12-30. Review status: criteria provided, single submitter. Criteria: Invitae Variant Classification Sherloc (09022015). Collection method: clinical testing. Allele origin: germline.

CeGaT Center for Human Genetics Tuebingen
Classification: Likely benign. Last evaluated: 2025-10-01. Review status: criteria provided, single submitter. Criteria: CeGaT Center For Human Genetics Tuebingen Variant Classification Criteria Version 2. Collection method: clinical testing. Allele origin: germline. Affected: yes. Observed: 4 variant alleles.
Comment: AIRE: BP4, BP7

PreventionGenetics, part of Exact Sciences
Classification: Likely benign for AIRE-related condition. Last evaluated: 2025-03-13. Review status: criteria provided, single submitter. Criteria: ACMG Guidelines, 2015. Collection method: clinical testing. Allele origin: germline.
Comment: This variant is classified as likely benign based on ACMG/AMP sequence variant interpretation guidelines (Richards et al. 2015 PMID: 25741868, with internal and published modifications).

Laboratory of Genetics, Children's Clinical University Hospital Latvia
Classification: Benign. Last evaluated: 2025-02-16. Review status: criteria provided, single submitter. Criteria: ACMG Guidelines, 2015. Collection method: clinical testing. Allele origin: germline. Affected: yes.

Blueprint Genetics
Classification: Likely benign. Last evaluated: 2024-04-01. Review status: criteria provided, single submitter. Criteria: ACMG Guidelines, 2015. Collection method: clinical testing. Allele origin: germline.

Natera, Inc.
Classification: Likely benign for Polyglandular autoimmune syndrome type 1. Last evaluated: 2020-04-29. Review status: no assertion criteria provided. Collection method: clinical testing. Allele origin: germline. Not counted in ClinVar's aggregate classification.

NM_000383.4(AIRE):c.912C>T (p.Asp304=)

Gene: AIRE (autoimmune regulator; plus strand). Cytogenetic location: 21q22.3.
Variant type: single nucleotide variant.
Coding change: c.912C>T on transcript NM_000383.4 (MANE Select); coding-DNA position 912, C replaced by T.
Protein change: p.Asp304=; no amino-acid change (aspartic acid 304 retained).
Molecular consequence: synonymous variant.
Genome position (GRCh38, 1-based): chr21:44,291,127, C>T. VCF-style: chr21-44291127-C-T. GRCh37 (hg19) VCF-style: chr21-45711010-C-T.
Identifiers: ClinVar variation 718871 (VCV000718871.36), dbSNP rs149769247, ClinGen allele CA10051856.